The following is an entry in ClinVar:

ClinVar aggregate classification (germline): Uncertain significance (1 of 4 stars; one submission).

Conditions:
Desmin-related myofibrillar myopathy (MFM1). Also called: Desminopathy; Desmin related myopathy (former name); Desmin storage myopathy (former name); Myofibrillar myopathy 1; MYOFIBRILLAR MYOPATHY WITH ARRHYTHMOGENIC RIGHT VENTRICULAR CARDIOMYOPATHY; DESMIN-RELATED MYOPATHY WITH ARRHYTHMOGENIC RIGHT VENTRICULAR CARDIOMYOPATHY. Identifiers: Orphanet 363543, Orphanet 98909, MedGen C1832370, MONDO:0011076, OMIM 601419.

Allele frequency attached by ClinVar (database versions not stated): gnomAD exomes below 0.00001; TOPMed below 0.00001; gnomAD 0.00001.
gnomAD v4.1: 2 of 1,596,210 alleles (0.00013%); highest among the groups gnomAD compares: African/African-American, 0.0014%; no homozygotes.

Submission:

Labcorp Genetics (formerly Invitae), Labcorp
Classification: Uncertain significance for Desmin-related myofibrillar myopathy. Last evaluated: 2020-12-21. Review status: criteria provided, single submitter. Criteria: Invitae Variant Classification Sherloc (09022015). Collection method: clinical testing. Allele origin: germline.
Comment: This sequence change replaces alanine with threonine at codon 4 of the DES protein (p.Ala4Thr). The alanine residue is weakly conserved and there is a small physicochemical difference between alanine and threonine. In summary, the available evidence is currently insufficient to determine the role of this variant in disease. Therefore, it has been classified as a Variant of Uncertain Significance. Experimental studies and prediction algorithms are not available or were not evaluated, and the functional significance of this variant is currently unknown. This variant has not been reported in the literature in individuals with DES-related conditions. This variant is not present in population databases (ExAC no frequency).

NM_001927.4(DES):c.10G>A (p.Ala4Thr)

Gene: DES (desmin; plus strand). Cytogenetic location: 2q35.
Variant type: single nucleotide variant.
Coding change: c.10G>A on transcript NM_001927.4 (MANE Select); coding-DNA position 10, G replaced by A.
Protein change: p.Ala4Thr; replaces alanine 4 with threonine.
Molecular consequence: missense variant.
Genome position (GRCh38, 1-based): chr2:219,418,472, G>A. VCF-style: chr2-219418472-G-A. GRCh37 (hg19) VCF-style: chr2-220283194-G-A.
Other names: c.10G>A, p.Ala4Thr (NM_001382708.1, NM_001382709.1, NM_001382710.1 and 3 more transcripts); short protein forms A4T.
Identifiers: ClinVar variation 1054531 (VCV001054531.10), dbSNP rs1239304442, ClinGen allele CA350682006.
Genomic context (GRCh38, chr2:219,418,472, plus strand): 5'-CCTGCCCGCCGCCTCCTCCGTGCGCCCGCCAGCCTCGCCCGCGCCGTCACCATGAGCCAG[G>A]CCTACTCGTCCAGCCAGCGCGTGTCCTCCTACCGCCGCACCTTCGGCGGGGCCCCGGGCT-3'
Protein context (NP_001918.3, residues 1-14): MSQ[Ala4Thr]YSSSQRVSSY